The following is an entry in ClinVar:

ClinVar aggregate classification (germline): Uncertain significance (1 of 4 stars; one submission).

Conditions:
Neuroblastoma, susceptibility to, 3. Also called: ALK-Related Neuroblastic Tumor Susceptibility. Identifiers: Orphanet 635, MedGen C2751681, MONDO:0013083, OMIM 613014.

Submission:

Labcorp Genetics (formerly Invitae), Labcorp
Classification: Uncertain significance for Neuroblastoma, susceptibility to, 3. Last evaluated: 2022-07-06. Review status: criteria provided, single submitter. Criteria: Invitae Variant Classification Sherloc (09022015). Collection method: clinical testing. Allele origin: germline.
Comment: This sequence change replaces histidine, which is basic and polar, with tyrosine, which is neutral and polar, at codon 583 of the ALK protein (p.His583Tyr). This variant is not present in population databases (gnomAD no frequency). This variant has not been reported in the literature in individuals affected with ALK-related conditions. ClinVar contains an entry for this variant (Variation ID: 1027326). Algorithms developed to predict the effect of missense changes on protein structure and function output the following: SIFT: "Tolerated"; PolyPhen-2: "Benign"; Align-GVGD: "Class C0". The tyrosine amino acid residue is found in multiple mammalian species, which suggests that this missense change does not adversely affect protein function. Algorithms developed to predict the effect of sequence changes on RNA splicing suggest that this variant may create or strengthen a splice site. In summary, the available evidence is currently insufficient to determine the role of this variant in disease. Therefore, it has been classified as a Variant of Uncertain Significance.

NM_004304.5(ALK):c.1747C>T (p.His583Tyr)

Gene: ALK (ALK receptor tyrosine kinase; minus strand). Cytogenetic location: 2p23.2.
Variant type: single nucleotide variant.
Coding change: c.1747C>T on transcript NM_004304.5 (MANE Select); coding-DNA position 1747, C replaced by T.
Protein change: p.His583Tyr; replaces histidine 583 with tyrosine.
Molecular consequence: missense variant.
Genome position (GRCh38, 1-based): chr2:29,296,958, G>A on the plus strand (C>T on the coding strand, the complement: ALK is on the minus strand). VCF-style: chr2-29296958-G-A. GRCh37 (hg19) VCF-style: chr2-29519824-G-A.
Other names: short protein forms H583Y.
Identifiers: ClinVar variation 1027326 (VCV001027326.8), dbSNP rs1666202984, ClinGen allele CA346466171.